The following is an entry in ClinVar:

NM_001048174.2(MUTYH):c.212G>T (p.Ser71Ile)

Gene: MUTYH (mutY DNA glycosylase; minus strand). Cytogenetic location: 1p34.1.
Variant type: single nucleotide variant.
Coding change: c.212G>T on transcript NM_001048174.2 (MANE Select); coding-DNA position 212, G replaced by T.
Protein change: p.Ser71Ile; replaces serine 71 with isoleucine.
Molecular consequence: missense variant. On other transcripts: 5 prime UTR variant (6), non-coding transcript variant (7).
Genome position (GRCh38, 1-based): chr1:45,333,465, C>A on the plus strand (G>T on the coding strand, the complement: MUTYH is on the minus strand). VCF-style: chr1-45333465-C-A. GRCh37 (hg19) VCF-style: chr1-45799137-C-A.
Other names: c.233G>T, p.Ser78Ile (NM_001407087.1); c.212G>T, p.Ser71Ile (NM_001407088.1, NM_001407089.1, NM_001048171.2 and 6 more transcripts); c.-65G>T (NM_001407091.1, NM_001293192.2, NM_001293196.2); c.287G>T, p.Ser96Ile (NM_012222.3, NM_001407069.1); c.215G>T, p.Ser72Ile (NM_001048172.2, NM_001407071.1, NM_001407078.1 and 2 more transcripts); c.296G>T, p.Ser99Ile (NM_001128425.2); c.257G>T, p.Ser86Ile (NM_001293190.2); c.245G>T, p.Ser82Ile (NM_001293191.2, NM_001407077.1); and 3 more; short protein forms S43I, S71I, S72I, S78I, S86I, S82I, S85I, S96I.
Identifiers: ClinVar variation 4113588 (VCV004113588.1).
Genomic context (GRCh38, chr1:45,333,465, plus strand): 5'-CTGCCTACCCGTCTTCTCCATGGTAGGTCCCGTTTCTCTTGGTCGTACCAGCTTAGCAGG[C>A]TCCCTCGGAAGGCTGTGACTTCAGCTACGTCTCTGAATAGATGGTATGAGGAGACAGAGG-3'
Protein context (NP_001041639.1, residues 61-81): DVAEVTAFRG[Ser71Ile]LLSWYDQEKR

ClinVar aggregate classification (germline): Uncertain significance (1 of 4 stars; one submission).

Conditions:
Hereditary cancer-predisposing syndrome. Also called: Hereditary neoplastic syndrome; Neoplastic Syndromes, Hereditary; Tumor predisposition; Hereditary Cancer Syndrome. Identifiers: Orphanet 140162, MedGen C0027672, MeSH D009386, MONDO:0015356.

Submission:

Ambry Genetics
Classification: Uncertain significance for Hereditary cancer-predisposing syndrome. Last evaluated: 2025-08-27. Review status: criteria provided, single submitter. Criteria: Ambry Variant Classification Scheme 2023. Collection method: clinical testing. Allele origin: germline.
Comment: The p.S99I variant (also known as c.296G>T), located in coding exon 3 of the MUTYH gene, results from a G to T substitution at nucleotide position 296. The serine at codon 99 is replaced by isoleucine, an amino acid with dissimilar properties. This amino acid position is conserved. In addition, the in silico prediction for this alteration is inconclusive. Based on the available evidence, the clinical significance of this variant remains unclear.